The following is an entry in ClinVar:

ClinVar aggregate classification (germline): Uncertain significance (1 of 4 stars; one submission).

Conditions:
Lissencephaly 9 with complex brainstem malformation. Identifiers: Orphanet 572013, MedGen C5193029, MONDO:0032677, OMIM 618325.

Submission:

Diagnostics Services (NGS), CSIR - Centre For Cellular And Molecular Biology
Classification: Uncertain significance for Lissencephaly 9 with complex brainstem malformation. Last evaluated: 2026-02-23. Review status: criteria provided, single submitter. Criteria: ACMG Guidelines, 2015. Collection method: clinical testing. Allele origin: germline. Observed: 1 variant allele, 1 heterozygote.
Comment: The c.10008_10009delinsTT variant is not present in 1000 Genomes, EVS, gnomAD, Indian Exome Database or our internal database. This variant has neither been reported in the literature in individuals affected with MACF1-related conditions nor reported to the HGMD, ClinVar or OMIM databases, in any affected individuals. In-silico pathogenicity prediction programs like Polyphen-2, MutationTaster2, CADD, Varsome, Franklin etc predicted this variant to be likely deleterious however these predictions were not confirmed by published functional studies.

NM_001394062.1(MACF1):c.16194_16195delinsTT (p.Met5398_Leu5399delinsIlePhe)

Gene: MACF1 (microtubule actin crosslinking factor 1; plus strand). Cytogenetic location: 1p34.3.
Variant type: Indel.
Coding change: c.16194_16195delinsTT on transcript NM_001394062.1 (MANE Select); coding-DNA positions 16194 to 16195, GC replaced by TT.
Protein change: p.Met5398_Leu5399delinsIlePhe.
Molecular consequence: missense variant.
Genome position (GRCh38, 1-based): chr1:39,424,072-39,424,073, GC replaced by TT. VCF-style: chr1-39424072-GC-TT. GRCh37 (hg19) VCF-style: chr1-39889744-GC-TT.
Other names: c.4590_4591delinsTT, p.Met1530_Leu1531delinsIlePhe (NM_001397473.1); c.10008_10009delinsTT, p.Met3336_Leu3337delinsIlePhe (NM_012090.5).
Identifiers: ClinVar variation 4849703 (VCV004849703.1).